The following is an entry in ClinVar:

ClinVar aggregate classification (germline): Uncertain significance. Review status: criteria provided, multiple submitters, no conflicts (2 of 4 stars). 3 submissions from 3 submitters: Uncertain significance (3). Last evaluated 2025-03-23.

Conditions:
Hereditary cancer-predisposing syndrome. Also called: Hereditary neoplastic syndrome; Tumor predisposition; Neoplastic Syndromes, Hereditary; Hereditary Cancer Syndrome. Identifiers: Orphanet 140162, MedGen C0027672, MeSH D009386, MONDO:0015356.
Multiple endocrine neoplasia, type 1 (MEN1). Also called: MEN I; WERMER SYNDROME; MEA I; Endocrine adenomatosis multiple; MEN 1. Identifiers: Orphanet 652, MedGen C0025267, MeSH D018761, MONDO:0007540, OMIM 131100.

Allele frequency attached by ClinVar (database versions not stated): gnomAD exomes below 0.00001.
gnomAD v4.1: 1 of 1,596,786 alleles (0.000063%); highest among the groups gnomAD compares: Non-Finnish European, 0.000085%; no homozygotes.

Submissions (3):

Ambry Genetics
Classification: Uncertain significance for Hereditary cancer-predisposing syndrome. Last evaluated: 2025-03-23. Review status: criteria provided, single submitter. Criteria: Ambry Variant Classification Scheme 2023. Collection method: clinical testing. Allele origin: germline.
Comment: The p.E469Q variant (also known as c.1405G>C), located in coding exon 9 of the MEN1 gene, results from a G to C substitution at nucleotide position 1405. The glutamic acid at codon 469 is replaced by glutamine, an amino acid with highly similar properties. This amino acid position is not well conserved in available vertebrate species. In addition, the in silico prediction for this alteration is inconclusive. Since supporting evidence is limited at this time, the clinical significance of this alteration remains unclear.

Labcorp Genetics (formerly Invitae), Labcorp
Classification: Uncertain significance for Multiple endocrine neoplasia, type 1. Last evaluated: 2024-06-26. Review status: criteria provided, single submitter. Criteria: Invitae Variant Classification Sherloc (09022015). Collection method: clinical testing. Allele origin: germline.
Comment: This sequence change replaces glutamic acid, which is acidic and polar, with glutamine, which is neutral and polar, at codon 469 of the MEN1 protein (p.Glu469Gln). This variant is present in population databases (no rsID available, gnomAD 0.001%). This missense change has been observed in individual(s) with clinical features of MEN1-related conditions (PMID: 30869828). ClinVar contains an entry for this variant (Variation ID: 860129). Advanced modeling of protein sequence and biophysical properties (such as structural, functional, and spatial information, amino acid conservation, physicochemical variation, residue mobility, and thermodynamic stability) has been performed at Invitae for this missense variant, however the output from this modeling did not meet the statistical confidence thresholds required to predict the impact of this variant on MEN1 protein function. In summary, the available evidence is currently insufficient to determine the role of this variant in disease. Therefore, it has been classified as a Variant of Uncertain Significance.

All of Us Research Program, National Institutes of Health
Classification: Uncertain significance for Multiple endocrine neoplasia, type 1. Last evaluated: 2023-02-24. Review status: criteria provided, single submitter. Criteria: ACMG Guidelines, 2015. Collection method: clinical testing. Allele origin: germline. Inheritance: Autosomal dominant inheritance. Observed: 1 variant allele, 1 heterozygote.
Comment: This missense variant replaces glutamic acid with glutamine at codon 469 of the MEN1 protein. Computational prediction is inconclusive regarding the impact of this variant on protein structure and function (internally defined REVEL score threshold 0.5 < inconclusive < 0.7, PMID: 27666373). To our knowledge, functional studies have not been reported for this variant. This variant has been reported in an individual with personal or family history of MEN1 in a first-degree relative (PMID: 30869828). This variant has been identified in 1/224204 chromosomes in the general population by the Genome Aggregation Database (gnomAD). The available evidence is insufficient to determine the role of this variant in disease conclusively. Therefore, this variant is classified as a Variant of Uncertain Significance.

This study involves interpretation of variants in research participants for the purpose of population health screening. Participant phenotype was not available at the time of variant classification. Additional details can be found in publication PMID: 35346344, PMCID: PMC8962531

Literature cited by the submitters: PubMed 30869828 (cited by Labcorp Genetics (formerly Invitae), Labcorp and All of Us Research Program, National Institutes of Health).

NM_001370259.2(MEN1):c.1405G>C (p.Glu469Gln)

Gene: MEN1 (menin 1; minus strand). Cytogenetic location: 11q13.1.
Variant type: single nucleotide variant.
Coding change: c.1405G>C on transcript NM_001370259.2 (MANE Select); coding-DNA position 1405, G replaced by C.
Protein change: p.Glu469Gln; replaces glutamic acid 469 with glutamine.
Molecular consequence: missense variant.
Genome position (GRCh38, 1-based): chr11:64,804,762, C>G on the plus strand (G>C on the coding strand, the complement: MEN1 is on the minus strand). VCF-style: chr11-64804762-C-G. GRCh37 (hg19) VCF-style: chr11-64572234-C-G.
Other names: c.1420G>C, p.Glu474Gln (NM_000244.4, NM_130800.3, NM_130801.3 and 3 more transcripts); c.1531G>C, p.Glu511Gln (NM_001370251.2); c.1405G>C, p.Glu469Gln (NM_001370260.2, NM_001370261.2, NM_130799.3); c.1300G>C, p.Glu434Gln (NM_001370262.2, NM_001370263.2); short protein forms E474Q, E469Q, E511Q, E434Q.
Identifiers: ClinVar variation 860129 (VCV000860129.12), dbSNP rs1182898331, ClinGen allele CA381179596.